The following is an entry in ClinVar:

ClinVar aggregate classification (germline): Likely benign. Review status: criteria provided, single submitter (1 of 4 stars). 2 submissions from 2 submitters: Likely benign (1). 1 of the submissions does not count toward it. Last evaluated 2024-03-01.

Conditions:
JAK2-related disorder. Also called: JAK2-related condition.

gnomAD v4.1: 36 of 1,614,014 alleles (0.0022%); highest among the groups gnomAD compares: Middle Eastern, 0.016%; no homozygotes.

Submissions (2):

Blueprint Genetics
Classification: Likely benign. Last evaluated: 2024-03-01. Review status: criteria provided, single submitter. Criteria: ACMG Guidelines, 2015. Collection method: clinical testing. Allele origin: germline.

PreventionGenetics, part of Exact Sciences
Classification: Likely benign for JAK2-related condition. Last evaluated: 2019-05-08. Review status: no assertion criteria provided. Collection method: clinical testing. Allele origin: germline. Not counted in ClinVar's aggregate classification.
Comment: This variant is classified as likely benign based on ACMG/AMP sequence variant interpretation guidelines (Richards et al. 2015 PMID: 25741868, with internal and published modifications).

NM_004972.4(JAK2):c.132C>T (p.Tyr44=)

Genes: INSL6 (insulin like 6; minus strand), JAK2 (Janus kinase 2; plus strand). Cytogenetic location: 9p24.1.
Variant type: single nucleotide variant.
Coding change: c.132C>T on transcript NM_004972.4 (MANE Select); coding-DNA position 132, C replaced by T.
Protein change: p.Tyr44=; no amino-acid change (tyrosine 44 retained).
Molecular consequence: synonymous variant. On other transcripts: 5 prime UTR variant (2), non-coding transcript variant (2).
Genome position (GRCh38, 1-based): chr9:5,022,119, C>T. VCF-style: chr9-5022119-C-T. GRCh37 (hg19) VCF-style: chr9-5022119-C-T.
Other names: c.132C>T, p.Tyr44= (NM_001322194.2, NM_001322195.2, NM_001322196.2); c.-989C>T (NM_001322198.2, NM_001322199.2).
Identifiers: ClinVar variation 3352699 (VCV003352699.2).